The following is an entry in ClinVar:

ClinVar aggregate classification (germline): Likely pathogenic (1 of 4 stars; one submission).

Conditions:
COG5-congenital disorder of glycosylation. Also called: CONGENITAL DISORDER OF GLYCOSYLATION, TYPE IIi; CDG IIi; COG5-CDG. Identifiers: Orphanet 263487, MedGen C3150876, MONDO:0013325, OMIM 613612.

Allele frequency attached by ClinVar (database versions not stated): gnomAD 0.00001.
gnomAD v4.1: 1 of 1,591,168 alleles (0.000063%); highest among the groups gnomAD compares: African/African-American, 0.0013%; no homozygotes.

Submission:

Labcorp Genetics (formerly Invitae), Labcorp
Classification: Likely pathogenic for COG5-congenital disorder of glycosylation. Last evaluated: 2022-10-13. Review status: criteria provided, single submitter. Criteria: Invitae Variant Classification Sherloc (09022015). Collection method: clinical testing. Allele origin: germline.
Comment: Algorithms developed to predict the effect of sequence changes on RNA splicing suggest that this variant may disrupt the consensus splice site. In summary, the currently available evidence indicates that the variant is pathogenic, but additional data are needed to prove that conclusively. Therefore, this variant has been classified as Likely Pathogenic. ClinVar contains an entry for this variant (Variation ID: 1485955). This variant has not been reported in the literature in individuals affected with COG5-related conditions. This variant is not present in population databases (gnomAD no frequency). This sequence change affects a donor splice site in intron 17 of the COG5 gene. It is expected to disrupt RNA splicing. Variants that disrupt the donor or acceptor splice site typically lead to a loss of protein function (PMID: 16199547), and loss-of-function variants in COG5 are known to be pathogenic (PMID: 23228021).

Literature cited by the submitters: PubMed 16199547; PubMed 23228021.

NM_006348.5(COG5):c.1853+1G>C

Gene: COG5 (component of oligomeric golgi complex 5; minus strand). Cytogenetic location: 7q22.3.
Variant type: single nucleotide variant.
Coding change: c.1853+1G>C on transcript NM_006348.5 (MANE Select); the canonical splice donor site of the intron after coding-DNA position 1853, G replaced by C.
Molecular consequence: splice donor variant.
Genome position (GRCh38, 1-based): chr7:107,248,395, C>G on the plus strand (G>C on the coding strand, the complement: COG5 is on the minus strand). VCF-style: chr7-107248395-C-G. GRCh37 (hg19) VCF-style: chr7-106888840-C-G.
Other names: c.1139+1G>C (NM_001379516.1); c.1283+1G>C (NM_001379515.1); c.1691+1G>C (NM_001379511.1); c.1679+1G>C (NM_001379512.1); c.1790+1G>C (NM_181733.4); c.1853+1G>C (NM_001379514.1, NM_001379513.1, NM_001161520.2).
Identifiers: ClinVar variation 1485955 (VCV001485955.6), dbSNP rs1237315874, ClinGen allele CA368940284.